The following is an entry in ClinVar:

ClinVar aggregate classification (germline): Uncertain significance (1 of 4 stars; one submission).

Conditions:
Primary ciliary dyskinesia. Also called: Ciliary dyskinesia. Identifiers: Orphanet 244, MedGen C0008780, MONDO:0016575, HP:0012265.

Allele frequency attached by ClinVar (database versions not stated): gnomAD exomes below 0.00001.
gnomAD v4.1: 1 of 1,576,200 alleles (0.000063%); highest among the groups gnomAD compares: Non-Finnish European, 0.000086%; no homozygotes.

Submission:

Labcorp Genetics (formerly Invitae), Labcorp
Classification: Uncertain significance for Primary ciliary dyskinesia. Last evaluated: 2019-08-09. Review status: criteria provided, single submitter. Criteria: Invitae Variant Classification Sherloc (09022015). Collection method: clinical testing. Allele origin: germline.
Comment: In summary, the available evidence is currently insufficient to determine the role of this variant in disease. Therefore, it has been classified as a Variant of Uncertain Significance. This sequence change replaces alanine with aspartic acid at codon 379 of the CCDC40 protein (p.Ala379Asp). The alanine residue is moderately conserved and there is a moderate physicochemical difference between alanine and aspartic acid. This variant is not present in population databases (ExAC no frequency). This variant has not been reported in the literature in individuals with CCDC40-related conditions. Algorithms developed to predict the effect of missense changes on protein structure and function (SIFT, PolyPhen-2, Align-GVGD) all suggest that this variant is likely to be tolerated, but these predictions have not been confirmed by published functional studies and their clinical significance is uncertain.

NM_017950.4(CCDC40):c.1136C>A (p.Ala379Asp)

Gene: CCDC40 (coiled-coil domain 40 molecular ruler complex subunit; plus strand). Cytogenetic location: 17q25.3.
Variant type: single nucleotide variant.
Coding change: c.1136C>A on transcript NM_017950.4 (MANE Select); coding-DNA position 1136, C replaced by A.
Protein change: p.Ala379Asp; replaces alanine 379 with aspartic acid.
Molecular consequence: missense variant.
Genome position (GRCh38, 1-based): chr17:80,050,260, C>A. VCF-style: chr17-80050260-C-A. GRCh37 (hg19) VCF-style: chr17-78024059-C-A.
Other names: c.1136C>A, p.Ala379Asp (NM_001243342.2, NM_001330508.2); short protein forms A379D.
Identifiers: ClinVar variation 945680 (VCV000945680.10), dbSNP rs976460197, ClinGen allele CA401355899.